The following is an entry in ClinVar:

NM_020631.6(PLEKHG5):c.2471del (p.Pro824fs)

Gene: PLEKHG5 (pleckstrin homology and RhoGEF domain containing G5; minus strand). Cytogenetic location: 1p36.31.
Variant type: Deletion.
Coding change: c.2471del on transcript NM_020631.6 (MANE Select); coding-DNA position 2471, one base deleted (C; older notation c.2471delC).
Protein change: p.Pro824fs; shifts the reading frame from proline 824.
Molecular consequence: frameshift variant.
Genome position (GRCh38, 1-based): chr1:6,468,365, G deleted on the plus strand (C on the coding strand, the reverse complement: PLEKHG5 is on the minus strand); the first of 4 consecutive G bases (chr1:6,468,365-6,468,368); deleting any one gives the same sequence. VCF-style (leftmost placement, unchanged base first): chr1-6468364-TG-T. GRCh37 (hg19) VCF-style: chr1-6528424-TG-T.
Other names: c.2582del, p.Pro861fs (NM_001042663.3, NM_001265592.2); c.2471del, p.Pro824fs (NM_001042664.2, NM_001042665.2, NM_001265594.3 and 1 more transcripts); c.2678del, p.Pro893fs (NM_001265593.2); short protein forms P824fs, P861fs, P893fs.
Identifiers: ClinVar variation 2937250 (VCV002937250.3), dbSNP rs2523116140, ClinGen allele CA2740090574.

ClinVar aggregate classification (germline): Pathogenic (1 of 4 stars; one submission).

Conditions:
Neuronopathy, distal hereditary motor, autosomal recessive 4. Also called: NEUROPATHY, DISTAL HEREDITARY MOTOR, AUTOSOMAL RECESSIVE 4; Autosomal recessive lower motor neuron disease with childhood onset. Identifiers: Orphanet 206580, MedGen C1970211, MONDO:0012608, OMIM 611067.
Charcot-Marie-Tooth disease recessive intermediate C. Also called: CHARCOT-MARIE-TOOTH NEUROPATHY, RECESSIVE INTERMEDIATE C. Identifiers: Orphanet 369867, MedGen C3809309, MONDO:0014154, OMIM 615376.

Submission:

Labcorp Genetics (formerly Invitae), Labcorp
Classification: Pathogenic for Neuronopathy, distal hereditary motor, autosomal recessive 4; Charcot-Marie-Tooth disease recessive intermediate C. Last evaluated: 2023-04-20. Review status: criteria provided, single submitter. Criteria: Invitae Variant Classification Sherloc (09022015). Collection method: clinical testing. Allele origin: germline.
Comment: This sequence change creates a premature translational stop signal (p.Pro824Glnfs*16) in the PLEKHG5 gene. It is expected to result in an absent or disrupted protein product. Loss-of-function variants in PLEKHG5 are known to be pathogenic (PMID: 17564964, 23777631). For these reasons, this variant has been classified as Pathogenic. This variant has not been reported in the literature in individuals affected with PLEKHG5-related conditions. This variant is not present in population databases (gnomAD no frequency).

Literature cited by the submitters: PubMed 17564964; PubMed 23777631.